The following is an entry in ClinVar:

NM_000282.4(PCCA):c.1831C>T (p.Gln611Ter)

Gene: PCCA (propionyl-CoA carboxylase subunit alpha; plus strand). Cytogenetic location: 13q32.3.
Variant type: single nucleotide variant.
Coding change: c.1831C>T on transcript NM_000282.4 (MANE Select); coding-DNA position 1831, C replaced by T.
Protein change: p.Gln611Ter; replaces glutamine 611 with a stop codon.
Molecular consequence: nonsense. On other transcripts: non-coding transcript variant (5).
Genome position (GRCh38, 1-based): chr13:100,425,717, C>T. VCF-style: chr13-100425717-C-T. GRCh37 (hg19) VCF-style: chr13-101077971-C-T.
Other names: c.886C>T, p.Gln296Ter (NM_001352610.2, NM_001352611.2); c.742C>T, p.Gln248Ter (NM_001352612.2); c.1753C>T, p.Gln585Ter (NM_001127692.3, NM_001352607.2); c.1831C>T, p.Gln611Ter (NM_001178004.2, NM_001352605.2, NM_001352609.2); c.1687C>T, p.Gln563Ter (NM_001352606.2); c.1609C>T, p.Gln537Ter (NM_001352608.2); short protein forms Q248*, Q296*, Q537*, Q563*, Q585*, Q611*.
Identifiers: ClinVar variation 1301319 (VCV001301319.11), dbSNP rs2152894046, ClinGen allele CA388696901.

ClinVar aggregate classification (germline): Pathogenic. Review status: criteria provided, multiple submitters, no conflicts (2 of 4 stars). 3 submissions from 3 submitters: Pathogenic (3). Last evaluated 2025-05-27.

Conditions:
Propionic acidemia (PROP). Also called: GLYCINEMIA, KETOTIC; HYPERGLYCINEMIA WITH KETOACIDOSIS AND LEUKOPENIA; KETOTIC HYPERGLYCINEMIA. Identifiers: Orphanet 35, MedGen C0268579, MONDO:0011628, OMIM 606054, HP:0003571.

gnomAD v4.1: 1 of 1,611,922 alleles (0.000062%); highest among the groups gnomAD compares: Non-Finnish European, 0.000085%; no homozygotes.

Submissions (3):

Labcorp Genetics (formerly Invitae), Labcorp
Classification: Pathogenic for Propionic acidemia. Last evaluated: 2025-05-27. Review status: criteria provided, single submitter. Criteria: Invitae Variant Classification Sherloc (09022015). Collection method: clinical testing. Allele origin: germline.
Comment: This sequence change creates a premature translational stop signal (p.Gln611*) in the PCCA gene. It is expected to result in an absent or disrupted protein product. Loss-of-function variants in PCCA are known to be pathogenic (PMID: 15464417). This variant is not present in population databases (gnomAD no frequency). This premature translational stop signal has been observed in individual(s) with propionic acidemia (PMID: 22334403, 30274917). ClinVar contains an entry for this variant (Variation ID: 1301319). For these reasons, this variant has been classified as Pathogenic.

Dasa
Classification: Pathogenic for Propionic acidemia. Last evaluated: 2022-03-05. Review status: criteria provided, single submitter. Criteria: ACMG Guidelines, 2015. Collection method: clinical testing. Allele origin: germline. Affected: yes. Observed: 1 variant allele.
Comment: The c.1831C>T;p.(Gln611*) variant creates a premature translational stop signal in the PCCA gene. It is expected to result in an absent or disrupted protein product - PVS1. This sequence change has been observed in affected individual(s) and ClinVar contains an entry for this variant suporte: PMID: 22334403 - PS4_supporting. This variant is not present in population databases (- gnomAD; ABraOM no frequency) - PM2. In summary, the currently available evidence indicates that the variant is pathogenic.

Women's Health and Genetics/Laboratory Corporation of America, LabCorp
Classification: Pathogenic for Propionic acidemia. Last evaluated: 2021-09-01. Review status: criteria provided, single submitter. Criteria: LabCorp Variant Classification Summary - May 2015. Collection method: clinical testing. Allele origin: germline.
Comment: Variant summary: PCCA c.1831C>T (p.Gln611X) results in a premature termination codon, predicted to cause a truncation of the encoded protein or absence of the protein due to nonsense mediated decay, which are commonly known mechanisms for disease. The variant was absent in 251152 control chromosomes. c.1831C>T has been reported in the literature in individuals affected with Propionic Acidemia (Sanchez-Alcudia_2012, Rivera-Barahona_2018). A functional study showed the variant to produce no detectable full-length protein (Sanchez-Alcudia_2012). No clinical diagnostic laboratories have submitted clinical-significance assessments for this variant to ClinVar after 2014. Based on the evidence outlined above, the variant was classified as pathogenic.

Literature cited by the submitters: PubMed 15464417 (cited by Labcorp Genetics (formerly Invitae), Labcorp); PubMed 22334403 (cited by 3 submitters); PubMed 30274917 (cited by Labcorp Genetics (formerly Invitae), Labcorp and Women's Health and Genetics/Laboratory Corporation of America, LabCorp); PubMed 33028371 (cited by Women's Health and Genetics/Laboratory Corporation of America, LabCorp).